The following is an entry in ClinVar:

ClinVar aggregate classification (germline): Uncertain significance. Review status: criteria provided, multiple submitters, no conflicts (2 of 4 stars). 3 submissions from 3 submitters: Uncertain significance (3). Last evaluated 2024-03-04.

Conditions:
Cranioectodermal dysplasia 1 (CED1). Also called: LEVIN SYNDROME I. Identifiers: Orphanet 1515, MedGen C0432235, MONDO:0021093, OMIM 218330.
Inborn genetic diseases. Identifiers: MedGen C0950123, MeSH D030342.

Allele frequency attached by ClinVar (database versions not stated): TOPMed 0.00002; gnomAD exomes 0.00003; gnomAD 0.00004; ExAC 0.00006.
gnomAD v4.1: 51 of 1,614,212 alleles (0.0032%); highest among the groups gnomAD compares: South Asian, 0.044%; 1 homozygote.

Submissions (3):

Ambry Genetics
Classification: Uncertain significance for Inborn genetic diseases. Last evaluated: 2024-03-04. Review status: criteria provided, single submitter. Criteria: Ambry Variant Classification Scheme 2023. Collection method: clinical testing. Allele origin: germline.

Fulgent Genetics
Classification: Uncertain significance for Cranioectodermal dysplasia 1. Last evaluated: 2024-01-16. Review status: criteria provided, single submitter. Criteria: ACMG Guidelines, 2015. Collection method: clinical testing. Allele origin: germline.

Labcorp Genetics (formerly Invitae), Labcorp
Classification: Uncertain significance for Cranioectodermal dysplasia 1. Last evaluated: 2023-09-04. Review status: criteria provided, single submitter. Criteria: Invitae Variant Classification Sherloc (09022015). Collection method: clinical testing. Allele origin: germline.
Comment: This sequence change replaces glutamic acid, which is acidic and polar, with glycine, which is neutral and non-polar, at codon 820 of the IFT122 protein (p.Glu820Gly). In summary, the available evidence is currently insufficient to determine the role of this variant in disease. Therefore, it has been classified as a Variant of Uncertain Significance. Advanced modeling of protein sequence and biophysical properties (such as structural, functional, and spatial information, amino acid conservation, physicochemical variation, residue mobility, and thermodynamic stability) performed at Invitae indicates that this missense variant is not expected to disrupt IFT122 protein function. This variant has not been reported in the literature in individuals affected with IFT122-related conditions. This variant is present in population databases (rs777572081, gnomAD 0.04%).

NM_052989.3(IFT122):c.2306A>G (p.Glu769Gly)

Gene: IFT122 (intraflagellar transport 122; plus strand). Cytogenetic location: 3q21.3.
Variant type: single nucleotide variant.
Coding change: c.2306A>G on transcript NM_052989.3 (MANE Select); coding-DNA position 2306, A replaced by G.
Protein change: p.Glu769Gly; replaces glutamic acid 769 with glycine.
Molecular consequence: missense variant.
Genome position (GRCh38, 1-based): chr3:129,499,999, A>G. VCF-style: chr3-129499999-A-G. GRCh37 (hg19) VCF-style: chr3-129218842-A-G.
Other names: c.2459A>G (NM_052985.2); c.2282A>G, p.Glu761Gly (NM_001280541.2); c.1856A>G, p.Glu619Gly (NM_001280545.2); c.1679A>G, p.Glu560Gly (NM_001280546.2); c.2306A>G, p.Glu769Gly (NM_001410808.1); c.2252A>G, p.Glu751Gly (NM_001410809.1); c.2129A>G, p.Glu710Gly (NM_001410810.1, NM_018262.4); c.2075A>G, p.Glu692Gly (NM_001410811.1, NM_001410813.1); and 3 more; short protein forms E640G, E692G, E710G, E619G, E658G, E769G, E761G, E820G.
Identifiers: ClinVar variation 2998425 (VCV002998425.5), dbSNP rs777572081, ClinGen allele CA2606468.